The following is an entry in ClinVar:

ClinVar aggregate classification (germline): Uncertain significance (1 of 4 stars; one submission).

Allele frequency attached by ClinVar (database versions not stated): gnomAD exomes below 0.00001.
gnomAD v4.1: 2 of 1,613,818 alleles (0.00012%); highest among the groups gnomAD compares: Non-Finnish European, 0.000085%; no homozygotes.

Submission:

GeneDx
Classification: Uncertain significance. Last evaluated: 2023-04-04. Review status: criteria provided, single submitter. Criteria: GeneDx Variant Classification Process June 2021. Collection method: clinical testing. Allele origin: germline. Affected: yes.
Comment: Not observed at significant frequency in large population cohorts (gnomAD); In silico analysis supports that this missense variant has a deleterious effect on protein structure/function; Has not been previously published as pathogenic or benign to our knowledge

NM_014991.6(WDFY3):c.4052T>C (p.Ile1351Thr)

Gene: WDFY3 (WD repeat and FYVE domain containing 3; minus strand). Cytogenetic location: 4q21.23.
Variant type: single nucleotide variant.
Coding change: c.4052T>C on transcript NM_014991.6 (MANE Select); coding-DNA position 4052, T replaced by C.
Protein change: p.Ile1351Thr; replaces isoleucine 1351 with threonine.
Molecular consequence: missense variant.
Genome position (GRCh38, 1-based): chr4:84,785,989, A>G on the plus strand (T>C on the coding strand, the complement: WDFY3 is on the minus strand). VCF-style: chr4-84785989-A-G. GRCh37 (hg19) VCF-style: chr4-85707142-A-G.
Other names: short protein forms I1351T.
Identifiers: ClinVar variation 2662627 (VCV002662627.1), dbSNP rs2533477972, ClinGen allele CA357553334.